The following is an entry in ClinVar:

ClinVar aggregate classification (germline): Uncertain significance. Review status: criteria provided, multiple submitters, no conflicts (2 of 4 stars). 2 submissions from 2 submitters: Uncertain significance (2). Last evaluated 2025-11-12.

Conditions:
Inborn genetic diseases. Identifiers: MedGen C0950123, MeSH D030342.

Allele frequency attached by ClinVar (database versions not stated): gnomAD exomes 0.00002 and 0.00003; gnomAD 0.00003; ExAC 0.00004; ESP Exome Variant Server 0.00008; TOPMed 0.00005.
gnomAD v4.1: 26 of 1,613,876 alleles (0.0016%); highest among the groups gnomAD compares: African/African-American, 0.0053%; no homozygotes.

Submissions (2):

Ambry Genetics
Classification: Uncertain significance for Inborn genetic diseases. Last evaluated: 2025-11-12. Review status: criteria provided, single submitter. Criteria: Ambry Variant Classification Scheme 2023. Collection method: clinical testing. Allele origin: germline.

Labcorp Genetics (formerly Invitae), Labcorp
Classification: Uncertain significance. Last evaluated: 2024-10-10. Review status: criteria provided, single submitter. Criteria: Invitae Variant Classification Sherloc (09022015). Collection method: clinical testing. Allele origin: germline.
Comment: This sequence change replaces arginine, which is basic and polar, with tryptophan, which is neutral and slightly polar, at codon 1840 of the SPEG protein (p.Arg1840Trp). This variant is present in population databases (rs369971008, gnomAD 0.02%). This variant has not been reported in the literature in individuals affected with SPEG-related conditions. ClinVar contains an entry for this variant (Variation ID: 1378470). An algorithm developed to predict the effect of missense changes on protein structure and function (PolyPhen-2) suggests that this variant is likely to be disruptive. In summary, the available evidence is currently insufficient to determine the role of this variant in disease. Therefore, it has been classified as a Variant of Uncertain Significance.

NM_005876.5(SPEG):c.5518C>T (p.Arg1840Trp)

Gene: SPEG (striated muscle enriched protein kinase; plus strand). Cytogenetic location: 2q35.
Variant type: single nucleotide variant.
Coding change: c.5518C>T on transcript NM_005876.5 (MANE Select); coding-DNA position 5518, C replaced by T.
Protein change: p.Arg1840Trp; replaces arginine 1840 with tryptophan.
Molecular consequence: missense variant.
Genome position (GRCh38, 1-based): chr2:219,481,452, C>T. VCF-style: chr2-219481452-C-T. GRCh37 (hg19) VCF-style: chr2-220346174-C-T.
Other names: c.5518C>T (NM_005876.4); short protein forms R1840W.
Identifiers: ClinVar variation 1378470 (VCV001378470.6), dbSNP rs369971008, ClinGen allele CA2126846.